The following is an entry in ClinVar:

ClinVar aggregate classification (germline): Uncertain significance. Review status: criteria provided, multiple submitters, no conflicts (2 of 4 stars). 2 submissions from 2 submitters: Uncertain significance (2). Last evaluated 2024-03-23.

Conditions:
Noonan syndrome 9 (NS9). Identifiers: Orphanet 648, MedGen C4225282, MONDO:0014691, OMIM 616559.

Submissions (2):

Labcorp Genetics (formerly Invitae), Labcorp
Classification: Uncertain significance for Noonan syndrome 9. Last evaluated: 2024-03-23. Review status: criteria provided, single submitter. Criteria: Invitae Variant Classification Sherloc (09022015). Collection method: clinical testing. Allele origin: germline.
Comment: This variant, c.1567_1569del, results in the deletion of 1 amino acid(s) of the SOS2 protein (p.Ile523del), but otherwise preserves the integrity of the reading frame. This variant is present in population databases (rs748120062, gnomAD 0.003%). This variant has not been reported in the literature in individuals affected with SOS2-related conditions. Experimental studies and prediction algorithms are not available or were not evaluated, and the functional significance of this variant is currently unknown. In summary, the available evidence is currently insufficient to determine the role of this variant in disease. Therefore, it has been classified as a Variant of Uncertain Significance.

Women's Health and Genetics/Laboratory Corporation of America, LabCorp
Classification: Uncertain significance. Last evaluated: 2022-08-01. Review status: criteria provided, single submitter. Criteria: LabCorp Variant Classification Summary - May 2015. Collection method: clinical testing. Allele origin: germline.
Comment: Variant summary: SOS2 c.1567_1569delATA (p.Ile523del) results in an in-frame deletion that is predicted to remove one amino acid from the encoded protein. The variant allele was found at a frequency of 8e-06 in 251206 control chromosomes. The available data on variant occurrences in the general population are insufficient to allow any conclusion about variant significance. To our knowledge, no occurrence of c.1567_1569delATA in individuals affected with Noonan Syndrome and no experimental evidence demonstrating its impact on protein function have been reported. No clinical diagnostic laboratories have submitted clinical-significance assessments for this variant to ClinVar after 2014. Based on the evidence outlined above, the variant was classified as uncertain significance.

NM_006939.4(SOS2):c.1564ATA[1] (p.Ile523del)

Gene: SOS2 (SOS Ras/Rho guanine nucleotide exchange factor 2; minus strand). Cytogenetic location: 14q21.3.
Variant type: Microsatellite.
Coding change: c.1564ATA[1] on transcript NM_006939.4 (MANE Select); one copy of the 3-base unit ATA starting at c.1564; the reference has two copies in a row; one copy, 3 bases deleted.
Protein change: p.Ile523del; deletes isoleucine 523.
Molecular consequence: inframe deletion.
Genome position (GRCh38, 1-based): chr14:50,159,714-50,159,716, TAT deleted on the plus strand (ATA on the coding strand, the reverse complement: SOS2 is on the minus strand); deleting any 3 consecutive bases within chr14:50,159,714-50,159,719 gives the same sequence; the position shown is the placement nearest the transcript's 3' end. VCF-style (leftmost placement, unchanged base first): chr14-50159713-ATAT-A. GRCh37 (hg19) VCF-style: chr14-50626431-ATAT-A.
Other names: c.1465ATA[1], p.Ile490del (NM_001411020.1); short protein forms I490del, I523del.
Identifiers: ClinVar variation 1705056 (VCV001705056.6), dbSNP rs748120062, ClinGen allele CA7177266.
Genomic context (GRCh38, chr14:50,159,713, plus strand): 5'-AATGAAGAGAAATAAGGGCTGCCATCCAGTTGTTTTTTTCTTCAGCAGACTTAGCAGCAA[ATAT>A]TATGCTGTTCTCATCTTTGGATACTAATTCAAATGCATGCTTGTGCTCACAAGTATCTTC-3'